The following is an entry in ClinVar:

NM_018965.4(TREM2):c.578T>C (p.Leu193Pro)

Gene: TREM2 (triggering receptor expressed on myeloid cells 2; minus strand). Cytogenetic location: 6p21.1.
Variant type: single nucleotide variant.
Coding change: c.578T>C on transcript NM_018965.4 (MANE Select); coding-DNA position 578, T replaced by C.
Protein change: p.Leu193Pro; replaces leucine 193 with proline.
Molecular consequence: missense variant. On other transcripts: intron variant (1).
Genome position (GRCh38, 1-based): chr6:41,158,971, A>G on the plus strand (T>C on the coding strand, the complement: TREM2 is on the minus strand). VCF-style: chr6-41158971-A-G. GRCh37 (hg19) VCF-style: chr6-41126709-A-G.
Other names: c.483-191T>C (NM_001271821.2); short protein forms L193P.
Identifiers: ClinVar variation 1353455 (VCV001353455.8), dbSNP rs2113877201, ClinGen allele CA364057541.

ClinVar aggregate classification (germline): Uncertain significance (1 of 4 stars; one submission).

Submission:

Labcorp Genetics (formerly Invitae), Labcorp
Classification: Uncertain significance. Last evaluated: 2021-05-13. Review status: criteria provided, single submitter. Criteria: Invitae Variant Classification Sherloc (09022015). Collection method: clinical testing. Allele origin: germline.
Comment: This variant has not been reported in the literature in individuals with TREM2-related conditions. In summary, the available evidence is currently insufficient to determine the role of this variant in disease. Therefore, it has been classified as a Variant of Uncertain Significance. Algorithms developed to predict the effect of missense changes on protein structure and function are either unavailable or do not agree on the potential impact of this missense change (SIFT: "Deleterious"; PolyPhen-2: "Probably Damaging"; Align-GVGD: "Class C0"). This variant is not present in population databases (ExAC no frequency). This sequence change replaces leucine with proline at codon 193 of the TREM2 protein (p.Leu193Pro). The leucine residue is moderately conserved and there is a moderate physicochemical difference between leucine and proline.